The following is an entry in ClinVar:

ClinVar aggregate classification (germline): Benign (1 of 4 stars; one submission).

Conditions:
Leigh syndrome (NULS). Also called: Leigh's necrotizing encephalopathy; Leigh's disease; Leigh's syndrome; LEIGH SYNDROME, NUCLEAR; Leigh Syndrome (mtDNA deletion); Leigh Disease. Identifiers: Orphanet 506, MedGen C2931891, MONDO:0009723, OMIM 256000.

Submission:

Wong Mito Lab, Molecular and Human Genetics, Baylor College of Medicine
Classification: Benign for Leigh syndrome. Last evaluated: 2019-10-17. Review status: criteria provided, single submitter. Criteria: Modified ACMG Guidelines (Unpublished). Collection method: clinical testing. Allele origin: germline.
Comment: The NC_012920.1:m.14162G>A (YP_003024037.1:p.Ala171Val) variant in MTND6 gene is interpretated to be a Benign variant based on the modified ACMG guidelines (unpublished). This variant meets the following evidence codes: BS1, BS2, BP4

NC_012920.1(MT-ND6):m.14162G>A

Gene: MT-ND6 (mitochondrially encoded NADH dehydrogenase 6; minus strand).
Variant type: single nucleotide variant.
Genome position: chrM-14162-G-A.
Identifiers: ClinVar variation 693680 (VCV000693680.1), dbSNP rs1603224571, ClinGen allele CA414821179.